The following is an entry in ClinVar:

ClinVar aggregate classification (germline): Uncertain significance (1 of 4 stars; one submission).

Conditions:
Familial sleep-related hypermotor epilepsy. Also called: Autosomal Dominant Sleep-Related Hypermotor (Hyperkinetic) Epilepsy. Identifiers: Orphanet 98784, MedGen C3696898, MONDO:0000030.

gnomAD v4.1: 14 of 1,586,998 alleles (0.00088%); highest among the groups gnomAD compares: South Asian, 0.016%; no homozygotes.

Submission:

Labcorp Genetics (formerly Invitae), Labcorp
Classification: Uncertain significance. Last evaluated: 2024-11-26. Review status: criteria provided, single submitter. Criteria: Invitae Variant Classification Sherloc (09022015). Collection method: clinical testing. Allele origin: germline.
Comment: This sequence change replaces aspartic acid, which is acidic and polar, with tyrosine, which is neutral and polar, at codon 246 of the CHRNA2 protein (p.Asp246Tyr). This variant is present in population databases (rs767492985, gnomAD 0.03%). This variant has not been reported in the literature in individuals affected with CHRNA2-related conditions. Invitae Evidence Modeling of protein sequence and biophysical properties (such as structural, functional, and spatial information, amino acid conservation, physicochemical variation, residue mobility, and thermodynamic stability) indicates that this missense variant is not expected to disrupt CHRNA2 protein function with a negative predictive value of 80%. In summary, the available evidence is currently insufficient to determine the role of this variant in disease. Therefore, it has been classified as a Variant of Uncertain Significance.

NM_000742.4(CHRNA2):c.736G>T (p.Asp246Tyr)

Gene: CHRNA2 (cholinergic receptor nicotinic alpha 2 subunit; minus strand). Cytogenetic location: 8p21.2.
Variant type: single nucleotide variant.
Coding change: c.736G>T on transcript NM_000742.4 (MANE Select); coding-DNA position 736, G replaced by T.
Protein change: p.Asp246Tyr; replaces aspartic acid 246 with tyrosine.
Molecular consequence: missense variant.
Genome position (GRCh38, 1-based): chr8:27,463,707, C>A on the plus strand (G>T on the coding strand, the complement: CHRNA2 is on the minus strand). VCF-style: chr8-27463707-C-A. GRCh37 (hg19) VCF-style: chr8-27321224-C-A.
Other names: c.691G>T, p.Asp231Tyr (NM_001282455.2); c.259G>T, p.Asp87Tyr (NM_001347705.2, NM_001347706.2); c.142G>T, p.Asp48Tyr (NM_001347707.2, NM_001347708.2); short protein forms D246Y, D48Y, D231Y, D87Y.
Identifiers: ClinVar variation 3633576 (VCV003633576.2).